The following is an entry in ClinVar:

ClinVar aggregate classification (germline): Conflicting classifications of pathogenicity. Review status: criteria provided, conflicting classifications (1 of 4 stars). 2 submissions from 2 submitters: Uncertain significance (1); Likely benign (1). Last evaluated 2025-07-31.

Conditions:
Hereditary cancer-predisposing syndrome. Also called: Tumor predisposition; Hereditary Cancer Syndrome; Neoplastic Syndromes, Hereditary; Hereditary neoplastic syndrome. Identifiers: Orphanet 140162, MedGen C0027672, MeSH D009386, MONDO:0015356.
Neurofibromatosis, type 2 (SWNV). Also called: BILATERAL ACOUSTIC NEUROFIBROMATOSIS; SCHWANNOMATOSIS, VESTIBULAR; NF2-Related Schwannomatosis. Identifiers: Orphanet 637, MedGen C0027832, MONDO:0007039, OMIM 101000. Disease mechanism: loss of function.

Allele frequency attached by ClinVar (database versions not stated): gnomAD below 0.00001 and 0.00003; gnomAD exomes 0.00001 and 0.00003; ExAC 0.00005.
gnomAD v4.1: 18 of 1,611,960 alleles (0.0011%); highest among the groups gnomAD compares: South Asian, 0.02%; no homozygotes.

Submissions (2):

Labcorp Genetics (formerly Invitae), Labcorp
Classification: Uncertain significance for Neurofibromatosis, type 2. Last evaluated: 2025-07-31. Review status: criteria provided, single submitter. Criteria: Invitae Variant Classification Sherloc (09022015). Collection method: clinical testing. Allele origin: germline.
Comment: This sequence change replaces alanine, which is neutral and non-polar, with valine, which is neutral and non-polar, at codon 433 of the NF2 protein (p.Ala433Val). This variant is present in population databases (rs779721863, gnomAD 0.02%). This variant has not been reported in the literature in individuals affected with NF2-related conditions. ClinVar contains an entry for this variant (Variation ID: 953775). Invitae Evidence Modeling of protein sequence and biophysical properties (such as structural, functional, and spatial information, amino acid conservation, physicochemical variation, residue mobility, and thermodynamic stability) has been performed for this missense variant. However, the output from this modeling did not meet the statistical confidence thresholds required to predict the impact of this variant on NF2 protein function. In summary, the available evidence is currently insufficient to determine the role of this variant in disease. Therefore, it has been classified as a Variant of Uncertain Significance.

Ambry Genetics
Classification: Likely benign for Hereditary cancer-predisposing syndrome. Last evaluated: 2022-06-24. Review status: criteria provided, single submitter. Criteria: Ambry Variant Classification Scheme 2023. Collection method: clinical testing. Allele origin: germline.

NM_000268.4(NF2):c.1298C>T (p.Ala433Val)

Gene: NF2 (NF2, moesin-ezrin-radixin like (MERLIN) tumor suppressor; plus strand). Cytogenetic location: 22q12.2.
Variant type: single nucleotide variant.
Coding change: c.1298C>T on transcript NM_000268.4 (MANE Select); coding-DNA position 1298, C replaced by T.
Protein change: p.Ala433Val; replaces alanine 433 with valine.
Molecular consequence: missense variant. On other transcripts: non-coding transcript variant (1), intron variant (1).
Genome position (GRCh38, 1-based): chr22:29,673,444, C>T. VCF-style: chr22-29673444-C-T. GRCh37 (hg19) VCF-style: chr22-30069433-C-T.
Other names: c.1298C>T, p.Ala433Val (NM_016418.5, NM_181825.3, NM_181832.3); c.1172C>T, p.Ala391Val (NM_181828.3); c.1175C>T, p.Ala392Val (NM_181829.3); c.1049C>T, p.Ala350Val (NM_181830.3, NM_181831.3); c.448-21308C>T (NM_181833.3); short protein forms A350V, A392V, A433V, A391V.
Identifiers: ClinVar variation 953775 (VCV000953775.11), dbSNP rs779721863, ClinGen allele CA029439.
Genomic context (GRCh38, chr22:29,673,444, plus strand): 5'-AGGCCACAGCGATTCGCACGGAGGAGGAGAAGCGCCTGATGGAGCAGAAGGTGCTGGAAG[C>T]CGAGGTGCTGGCACTGAAGATGGCTGAGGAGTCAGAGAGGAGGTGAGGGGGCACCGGGCA-3'
Protein context (NP_000259.1, residues 423-443): KRLMEQKVLE[Ala433Val]EVLALKMAEE